The following is an entry in ClinVar:

NM_000199.5(SGSH):c.308A>G (p.Lys103Arg)

Gene: SGSH (N-sulfoglucosamine sulfohydrolase; minus strand). Cytogenetic location: 17q25.3.
Variant type: single nucleotide variant.
Coding change: c.308A>G on transcript NM_000199.5 (MANE Select); coding-DNA position 308, A replaced by G.
Protein change: p.Lys103Arg; replaces lysine 103 with arginine.
Molecular consequence: missense variant.
Genome position (GRCh38, 1-based): chr17:80,215,080, T>C on the plus strand (A>G on the coding strand, the complement: SGSH is on the minus strand). VCF-style: chr17-80215080-T-C. GRCh37 (hg19) VCF-style: chr17-78188879-T-C.
Other names: c.308A>G, p.Lys103Arg (NM_001352921.3, NM_001352922.2); short protein forms K103R.
Identifiers: ClinVar variation 2063377 (VCV002063377.2), dbSNP rs755122392, ClinGen allele CA8818090.
Genomic context (GRCh38, chr17:80,215,080, plus strand): 5'-ACGGGGTCCTCACCTGTGCGCACACCAGCTTGGCTGAGCAGCAGCGGCAGGCTCCGCACC[T>C]TGTCGAAGGAGTTGAAGTGGTGCACGTCCTGGTGCAGCCCGTACATCCCATTCTGATGCT-3'
Protein context (NP_000190.1, residues 93-113): QDVHHFNSFD[Lys103Arg]VRSLPLLLSQ

ClinVar aggregate classification (germline): Uncertain significance (1 of 4 stars; one submission).

Conditions:
Mucopolysaccharidosis, MPS-III-A (MPS3A). Also called: HEPARAN SULFATE SULFATASE DEFICIENCY; SANFILIPPO SYNDROME A; SULFAMIDASE DEFICIENCY; MPS III A; Mucopolysaccharidosis, type IIIA; MUCOPOLYSACCHARIDOSIS, TYPE IIIA, ATTENUATED. Identifiers: Orphanet 581, Orphanet 79269, MedGen C0086647, MONDO:0009655, OMIM 252900.

Allele frequency attached by ClinVar (database versions not stated): ExAC 0.00003; gnomAD 0.00005; TOPMed 0.00003; gnomAD exomes 0.00003.
gnomAD v4.1: 49 of 1,612,248 alleles (0.003%); highest among the groups gnomAD compares: Admixed American, 0.0067%; no homozygotes.

Submissions (2):

Labcorp Genetics (formerly Invitae), Labcorp
Classification: Uncertain significance for Mucopolysaccharidosis, MPS-III-A. Last evaluated: 2022-08-20. Review status: criteria provided, single submitter. Criteria: Invitae Variant Classification Sherloc (09022015). Collection method: clinical testing. Allele origin: germline.
Comment: This sequence change replaces lysine, which is basic and polar, with arginine, which is basic and polar, at codon 103 of the SGSH protein (p.Lys103Arg). This variant is present in population databases (rs755122392, gnomAD 0.008%). This variant has not been reported in the literature in individuals affected with SGSH-related conditions. Algorithms developed to predict the effect of missense changes on protein structure and function output the following: SIFT: "Tolerated"; PolyPhen-2: "Benign"; Align-GVGD: "Class C0". The arginine amino acid residue is found in multiple mammalian species, which suggests that this missense change does not adversely affect protein function. Algorithms developed to predict the effect of sequence changes on RNA splicing suggest that this variant may disrupt the consensus splice site. In summary, the available evidence is currently insufficient to determine the role of this variant in disease. Therefore, it has been classified as a Variant of Uncertain Significance.

Dr. Peter K. Rogan Lab, Western University
No classification provided (evidence only). Condition: Ovarian serous cystadenocarcinoma. Review status: no classification provided. Collection method: in vitro. Allele origin: not applicable. Functional consequence: retained intron. Not counted in ClinVar's aggregate classification.